The following is an entry in ClinVar:

ClinVar aggregate classification (germline): Uncertain significance (1 of 4 stars; one submission).

Submission:

Labcorp Genetics (formerly Invitae), Labcorp
Classification: Uncertain significance. Last evaluated: 2025-04-30. Review status: criteria provided, single submitter. Criteria: Invitae Variant Classification Sherloc (09022015). Collection method: clinical testing. Allele origin: germline.
Comment: This sequence change replaces serine, which is neutral and polar, with glycine, which is neutral and non-polar, at codon 279 of the SLC12A2 protein (p.Ser279Gly). This variant is not present in population databases (gnomAD no frequency). This variant has not been reported in the literature in individuals affected with SLC12A2-related conditions. Invitae Evidence Modeling of protein sequence and biophysical properties (such as structural, functional, and spatial information, amino acid conservation, physicochemical variation, residue mobility, and thermodynamic stability) indicates that this missense variant is not expected to disrupt SLC12A2 protein function with a negative predictive value of 80%. Algorithms developed to predict the effect of sequence changes on RNA splicing suggest that this variant may disrupt the consensus splice site. In summary, the available evidence is currently insufficient to determine the role of this variant in disease. Therefore, it has been classified as a Variant of Uncertain Significance.

NM_001046.3(SLC12A2):c.835A>G (p.Ser279Gly)

Gene: SLC12A2 (solute carrier family 12 member 2; plus strand). Cytogenetic location: 5q23.3.
Variant type: single nucleotide variant.
Coding change: c.835A>G on transcript NM_001046.3 (MANE Select); coding-DNA position 835, A replaced by G.
Protein change: p.Ser279Gly; replaces serine 279 with glycine.
Molecular consequence: missense variant. On other transcripts: non-coding transcript variant (1).
Genome position (GRCh38, 1-based): chr5:128,112,892, A>G. VCF-style: chr5-128112892-A-G. GRCh37 (hg19) VCF-style: chr5-127448584-A-G.
Other names: c.835A>G, p.Ser279Gly (NM_001256461.2); short protein forms S279G.
Identifiers: ClinVar variation 4707857 (VCV004707857.1).